The following is an entry in ClinVar:

NM_018075.5(ANO10):c.1477-14G>A

Gene: ANO10 (anoctamin 10; minus strand). Cytogenetic location: 3p22.1.
Variant type: single nucleotide variant.
Coding change: c.1477-14G>A on transcript NM_018075.5 (MANE Select); 14 bases into the intron before coding-DNA position 1477, G replaced by A.
Molecular consequence: intron variant.
Genome position (GRCh38, 1-based): chr3:43,555,483, C>T on the plus strand (G>A on the coding strand, the complement: ANO10 is on the minus strand). VCF-style: chr3-43555483-C-T. GRCh37 (hg19) VCF-style: chr3-43596975-C-T.
Other names: c.1279-14G>A (NM_001346469.2, NM_001204832.3, NM_001346466.2); c.1477-14G>A (NM_001346468.2, NM_001346465.2, NM_001204831.3 and 3 more transcripts); c.1144-14G>A (NM_001204833.3); c.907-14G>A (NM_001204834.3).
Identifiers: ClinVar variation 345182 (VCV000345182.11), dbSNP rs78884042, ClinGen allele CA2340751.

ClinVar aggregate classification (germline): Benign/Likely benign. Review status: criteria provided, multiple submitters, no conflicts (2 of 4 stars). 4 submissions from 4 submitters: Benign (2); Likely benign (2). Last evaluated 2026-02-04.

Conditions:
Autosomal recessive spinocerebellar ataxia 10. Identifiers: Orphanet 284289, MedGen C3150998, MONDO:0013392, OMIM 613728.

Allele frequency attached by ClinVar (database versions not stated): gnomAD exomes 0.00184 and 0.00508; ExAC 0.00715; gnomAD 0.01884 and 0.02011; TOPMed 0.02194; 1000 Genomes Project 0.02256; ESP Exome Variant Server 0.02353; 1000 Genomes Project 30x 0.02405.
gnomAD v4.1: 5,752 of 1,611,934 alleles (0.36%); highest among the groups gnomAD compares: African/African-American, 6.3%; 161 homozygotes.

Submissions (4):

Labcorp Genetics (formerly Invitae), Labcorp
Classification: Benign. Last evaluated: 2026-02-04. Review status: criteria provided, single submitter. Criteria: Invitae Variant Classification Sherloc (09022015). Collection method: clinical testing. Allele origin: germline.

GeneDx
Classification: Benign. Last evaluated: 2021-05-11. Review status: criteria provided, single submitter. Criteria: GeneDx Variant Classification Process June 2021. Collection method: clinical testing. Allele origin: germline. Affected: yes.

Illumina Laboratory Services, Illumina
Classification: Likely benign for Autosomal recessive spinocerebellar ataxia 10. Last evaluated: 2017-04-28. Review status: criteria provided, single submitter. Criteria: ICSL Variant Classification Criteria 13 December 2019. Collection method: clinical testing. Allele origin: germline.
Comment: This variant was observed as part of a predisposition screen in an ostensibly healthy population. A literature search was performed for the gene, cDNA change, and amino acid change (where applicable). No publications were found based on this search. Allele frequency data from public databases allowed determination this variant is unlikely to cause disease. Therefore, this variant is classified as likely benign.

Breakthrough Genomics
Classification: Likely benign. Review status: criteria provided, single submitter. Criteria: ACMG Guidelines, 2015. Collection method: not provided. Allele origin: germline. Inheritance: Autosomal recessive inheritance. Affected: yes.